The following is an entry in ClinVar:

ClinVar aggregate classification (germline): Likely pathogenic (1 of 4 stars; one submission).

Conditions:
Developmental and epileptic encephalopathy, 2 (DEE2). Also called: INFANTILE SPASM SYNDROME, X-LINKED 2; CDKL5 deficiency disorder. Identifiers: Orphanet 1934, Orphanet 3451, Orphanet 505652, MedGen C4750718, MONDO:0010396, OMIM 300672.

Submission:

New York Genome Center
Classification: Likely pathogenic for Developmental and epileptic encephalopathy, 2. Last evaluated: 2020-07-10. Review status: criteria provided, single submitter. Criteria: NYGC Assertion Criteria 2020. Collection method: clinical testing. Allele origin: de novo. Observed: 1 heterozygote. Study: CSER-NYCKidSeq.
Comment: The de novo c.259T>G (p.Leu87Val) variant identified in the CDKL5 gene substitutes a very well conserved Leucine for Valine at amino acid 87/961 (exon 5/18). This variant is absent from gnomAD(v3.0) suggesting it is not a common benign variant in the populations represented in that database. In silico algorithms predict this variant to be Deleterious (Provean; score: -2.86), Damaging (SIFT; score: 0.006), and Benign (REVEL; score: 0.316) to the function of the canonical transcript. This variant is absent from ClinVar, and while the p.Leu87Val variant identified here has not been reported in affected individuals in the literature, a different amino acid change at the same amino acid (c.260T>C; p.Leu87Ser) has been reported in an individual with nonspecific epileptic encephalopathy [PMID:27779742]. The p.Leu87 residue is within the protein kinase domain of CDKL5 (UniProtKB:O76039), where other missense variants have been reported in affected individuals [PMID:27779742; PMID:30928302; PMID:25657822]. Given its presence de novo, its absence in population databases, and its presence in the protein kinase domain, the de novo c.259T>G (p.Leu87Val) variant identified in the CDKL5 gene is reported as Likely Pathogenic.

NM_001323289.2(CDKL5):c.259T>G (p.Leu87Val)

Gene: CDKL5 (cyclin dependent kinase like 5; plus strand). Cytogenetic location: Xp22.13.
Variant type: single nucleotide variant.
Coding change: c.259T>G on transcript NM_001323289.2 (MANE Select); coding-DNA position 259, T replaced by G.
Protein change: p.Leu87Val; replaces leucine 87 with valine.
Molecular consequence: missense variant.
Genome position (GRCh38, 1-based): chrX:18,575,467, T>G. VCF-style: chrX-18575467-T-G. GRCh37 (hg19) VCF-style: chrX-18593587-T-G.
Other names: c.259T>G, p.Leu87Val (NM_001037343.2, NM_003159.3); short protein forms L87V.
Identifiers: ClinVar variation 1184403 (VCV001184403.1), dbSNP rs2147139674, ClinGen allele CA412348817.